The following is an entry in ClinVar:

ClinVar aggregate classification (germline): Uncertain significance (1 of 4 stars; one submission).

Conditions:
Hereditary pancreatitis (PCTT). Also called: Hereditary chronic pancreatitis; PRSS1-Related Hereditary Pancreatitis. Identifiers: Orphanet 676, MedGen C0238339, MONDO:0008185, OMIM 167800.

Submission:

Ambry Genetics
Classification: Uncertain significance for Hereditary pancreatitis. Last evaluated: 2024-04-24. Review status: criteria provided, single submitter. Criteria: Ambry Variant Classification Scheme 2023. Collection method: clinical testing. Allele origin: germline.
Comment: The p.T5A variant (also known as c.13A>G), located in coding exon 1 of the CTRC gene, results from an A to G substitution at nucleotide position 13. The threonine at codon 5 is replaced by alanine, an amino acid with similar properties. This amino acid position is conserved. In addition, this alteration is predicted to be tolerated by in silico analysis. Based on the available evidence, the clinical significance of this variant remains unclear.

NM_007272.3(CTRC):c.13A>G (p.Thr5Ala)

Gene: CTRC (chymotrypsin C; plus strand). Cytogenetic location: 1p36.21.
Variant type: single nucleotide variant.
Coding change: c.13A>G on transcript NM_007272.3 (MANE Select); coding-DNA position 13, A replaced by G.
Protein change: p.Thr5Ala; replaces threonine 5 with alanine.
Molecular consequence: missense variant.
Genome position (GRCh38, 1-based): chr1:15,438,477, A>G. VCF-style: chr1-15438477-A-G. GRCh37 (hg19) VCF-style: chr1-15764973-A-G.
Other names: short protein forms T5A.
Identifiers: ClinVar variation 3270187 (VCV003270187.1).